The following is an entry in ClinVar:

NC_012920.1(MT-CYB):m.15575G>A

Gene: MT-CYB (mitochondrially encoded cytochrome b; plus strand).
Variant type: single nucleotide variant.
Genome position: chrM-15575-G-A.
Identifiers: ClinVar variation 693908 (VCV000693908.1), dbSNP rs1603225356, ClinGen allele CA913174250.

ClinVar aggregate classification (germline): Uncertain significance (1 of 4 stars; one submission).

Conditions:
Leigh syndrome (NULS). Also called: Leigh's necrotizing encephalopathy; Leigh's disease; Leigh's syndrome; LEIGH SYNDROME, NUCLEAR; Leigh Syndrome (mtDNA deletion); Leigh Disease. Identifiers: Orphanet 506, MedGen C2931891, MONDO:0009723, OMIM 256000.

Submission:

Wong Mito Lab, Molecular and Human Genetics, Baylor College of Medicine
Classification: Uncertain significance for Leigh syndrome. Last evaluated: 2019-10-17. Review status: criteria provided, single submitter. Criteria: Modified ACMG Guidelines (Unpublished). Collection method: clinical testing. Allele origin: germline.
Comment: The NC_012920.1:m.15575G>A (YP_003024038.1:p.Ala277Thr) variant in MTCYB gene is interpretated to be a Uncertain Significance variant based on the modified ACMG guidelines (unpublished). This variant meets the following evidence codes: no criteria